The following is an entry in ClinVar:

NM_000548.5(TSC2):c.1951C>T (p.Pro651Ser)

Gene: TSC2 (TSC complex subunit 2; plus strand). Cytogenetic location: 16p13.3.
Variant type: single nucleotide variant.
Coding change: c.1951C>T on transcript NM_000548.5 (MANE Select); coding-DNA position 1951, C replaced by T.
Protein change: p.Pro651Ser; replaces proline 651 with serine.
Molecular consequence: missense variant.
Genome position (GRCh38, 1-based): chr16:2,071,788, C>T. VCF-style: chr16-2071788-C-T. GRCh37 (hg19) VCF-style: chr16-2121789-C-T.
Other names: c.1951C>T, p.Pro651Ser (NM_001077183.3, NM_001114382.3, NM_001363528.2 and 3 more transcripts); c.1840C>T, p.Pro614Ser (NM_001318827.2); c.1804C>T, p.Pro602Ser (NM_001318829.2); c.1351C>T, p.Pro451Ser (NM_001318831.2); c.1984C>T, p.Pro662Ser (NM_001318832.2); c.1951C>T (NM_000548.3); short protein forms P614S, P451S, P602S, P651S, P662S.
Identifiers: ClinVar variation 1499250 (VCV001499250.7), dbSNP rs763160835, ClinGen allele CA035252.

ClinVar aggregate classification (germline): Conflicting classifications of pathogenicity. Review status: criteria provided, conflicting classifications (1 of 4 stars). 2 submissions from 2 submitters: Uncertain significance (1); Benign (1). Last evaluated 2026-06-01.

Conditions:
Tuberous sclerosis 2 (TSC2). Identifiers: Orphanet 805, MedGen C1860707, MONDO:0013199, OMIM 613254.
Hereditary cancer-predisposing syndrome. Also called: Tumor predisposition; Neoplastic Syndromes, Hereditary; Hereditary Cancer Syndrome; Hereditary neoplastic syndrome. Identifiers: Orphanet 140162, MedGen C0027672, MeSH D009386, MONDO:0015356.

Allele frequency attached by ClinVar (database versions not stated): ExAC 0.00003; gnomAD exomes 0.00001 and below 0.00001.
gnomAD v4.1: 2 of 1,606,274 alleles (0.00012%); highest among the groups gnomAD compares: Non-Finnish European, 0.00017%; no homozygotes.

Submissions (2):

Ambry Genetics
Classification: Uncertain significance for Hereditary cancer-predisposing syndrome. Last evaluated: 2026-06-01. Review status: criteria provided, single submitter. Criteria: Ambry Variant Classification Scheme 2023. Collection method: clinical testing. Allele origin: germline.
Comment: The p.P651S variant (also known as c.1951C>T), located in coding exon 18 of the TSC2 gene, results from a C to T substitution at nucleotide position 1951. The proline at codon 651 is replaced by serine, an amino acid with similar properties. This amino acid position is not well conserved in available vertebrate species. In addition, the in silico prediction for this alteration is inconclusive. Based on the available evidence, the clinical significance of this variant remains unclear.

Labcorp Genetics (formerly Invitae), Labcorp
Classification: Benign for Tuberous sclerosis 2. Last evaluated: 2025-12-10. Review status: criteria provided, single submitter. Criteria: Invitae Variant Classification Sherloc (09022015). Collection method: clinical testing. Allele origin: germline.